The following is an entry in ClinVar:

NM_017654.4(SAMD9):c.1127C>A (p.Ala376Glu)

Gene: SAMD9 (sterile alpha motif domain containing 9; minus strand). Cytogenetic location: 7q21.2.
Variant type: single nucleotide variant.
Coding change: c.1127C>A on transcript NM_017654.4 (MANE Select); coding-DNA position 1127, C replaced by A.
Protein change: p.Ala376Glu; replaces alanine 376 with glutamic acid.
Molecular consequence: missense variant.
Genome position (GRCh38, 1-based): chr7:93,104,971, G>T on the plus strand (C>A on the coding strand, the complement: SAMD9 is on the minus strand). VCF-style: chr7-93104971-G-T. GRCh37 (hg19) VCF-style: chr7-92734284-G-T.
Other names: c.1127C>A, p.Ala376Glu (NM_001193307.2); short protein forms A376E.
Identifiers: ClinVar variation 4629921 (VCV004629921.1).

ClinVar aggregate classification (germline): Uncertain significance (1 of 4 stars; one submission).

Conditions:
Inborn genetic diseases. Identifiers: MedGen C0950123, MeSH D030342.

gnomAD v4.1: 2 of 1,610,712 alleles (0.00012%); highest among the groups gnomAD compares: African/African-American, 0.0013%; no homozygotes.

Submission:

Ambry Genetics
Classification: Uncertain significance for Inborn genetic diseases. Last evaluated: 2025-11-03. Review status: criteria provided, single submitter. Criteria: Ambry Variant Classification Scheme 2023. Collection method: clinical testing. Allele origin: germline.
Comment: The p.A376E variant (also known as c.1127C>A), located in coding exon 1 of the SAMD9 gene, results from a C to A substitution at nucleotide position 1127. The alanine at codon 376 is replaced by glutamic acid, an amino acid with dissimilar properties. This amino acid position is conserved. In addition, this alteration is predicted to be tolerated by in silico analysis. Based on the available evidence, the clinical significance of this variant remains unclear.